The following is an entry in ClinVar:

NM_002968.3(SALL1):c.2070G>C (p.Lys690Asn)

Gene: SALL1 (spalt like transcription factor 1; minus strand). Cytogenetic location: 16q12.1.
Variant type: single nucleotide variant.
Coding change: c.2070G>C on transcript NM_002968.3 (MANE Select); coding-DNA position 2070, G replaced by C.
Protein change: p.Lys690Asn; replaces lysine 690 with asparagine.
Molecular consequence: missense variant.
Genome position (GRCh38, 1-based): chr16:51,140,152, C>G on the plus strand (G>C on the coding strand, the complement: SALL1 is on the minus strand). VCF-style: chr16-51140152-C-G. GRCh37 (hg19) VCF-style: chr16-51174063-C-G.
Other names: c.1779G>C, p.Lys593Asn (NM_001127892.2); short protein forms K593N, K690N.
Identifiers: ClinVar variation 2646524 (VCV002646524.24), dbSNP rs2506488543, ClinGen allele CA395886500.

ClinVar aggregate classification (germline): Uncertain significance (1 of 4 stars; one submission).

Allele frequency attached by ClinVar (database versions not stated): gnomAD exomes below 0.00001.
gnomAD v4.1: 1 of 1,614,142 alleles (0.000062%); highest among the groups gnomAD compares: African/African-American, 0.0013%; no homozygotes.

Submission:

CeGaT Center for Human Genetics Tuebingen
Classification: Uncertain significance. Last evaluated: 2022-10-01. Review status: criteria provided, single submitter. Criteria: CeGaT Center For Human Genetics Tuebingen Variant Classification Criteria Version 2. Collection method: clinical testing. Allele origin: germline. Affected: yes. Observed: 1 variant allele.
Comment: SALL1: PM2